The following is an entry in ClinVar:

ClinVar aggregate classification (germline): Uncertain significance (1 of 4 stars; one submission).

Conditions:
Fibrous dysplasia of jaw (CRBM). Also called: Cherubism. Identifiers: Orphanet 184, MedGen C0008029, MONDO:0007315, OMIM 118400.

Submission:

Labcorp Genetics (formerly Invitae), Labcorp
Classification: Uncertain significance for Fibrous dysplasia of jaw. Last evaluated: 2020-12-28. Review status: criteria provided, single submitter. Criteria: Invitae Variant Classification Sherloc (09022015). Collection method: clinical testing. Allele origin: germline.
Comment: Algorithms developed to predict the effect of sequence changes on RNA splicing suggest that this variant may disrupt the consensus splice site, but this prediction has not been confirmed by published transcriptional studies. In summary, the available evidence is currently insufficient to determine the role of this variant in disease. Therefore, it has been classified as a Variant of Uncertain Significance. This variant has not been reported in the literature in individuals with SH3BP2-related conditions. This variant is not present in population databases (ExAC no frequency). This sequence change affects a donor splice site in intron 10 of the SH3BP2 gene. It is expected to disrupt RNA splicing. Variants that disrupt the donor or acceptor splice site typically lead to a loss of protein function (PMID: 16199547), however the current clinical and genetic evidence is not sufficient to establish whether loss-of-function variants in SH3BP2 cause disease.

Literature cited by the submitters: PubMed 16199547.

NM_001122681.2(SH3BP2):c.1406+2T>A

Gene: SH3BP2 (SH3 domain binding protein 2; plus strand). Cytogenetic location: 4p16.3.
Variant type: single nucleotide variant.
Coding change: c.1406+2T>A on transcript NM_001122681.2 (MANE Select); the canonical splice donor site of the intron after coding-DNA position 1406, T replaced by A.
Molecular consequence: splice donor variant.
Genome position (GRCh38, 1-based): chr4:2,831,980, T>A. VCF-style: chr4-2831980-T-A. GRCh37 (hg19) VCF-style: chr4-2833707-T-A.
Other names: c.1490+2T>A (NM_001145855.2); c.1577+2T>A (NM_001145856.2); c.1406+2T>A (NM_003023.4).
Identifiers: ClinVar variation 1498483 (VCV001498483.8), dbSNP rs2108741609, ClinGen allele CA356058386.
Genomic context (GRCh38, chr4:2,831,980, plus strand): 5'-CAGGTGCCACTGCCCAACTCGGTCTTCGTCAACACCACGGAGTCCTGCGAAGTGGAAAGG[T>A]CAGCACAAAGCCCTGTGTGTGCTGGGTCCTCCGCCATGCCCGGCTTCCTGCTTCTGTGTC-3'